The following is an entry in ClinVar:

NM_024537.4(CARS2):c.987+292T>G

Gene: CARS2 (cysteinyl-tRNA synthetase 2, mitochondrial; minus strand). Cytogenetic location: 13q34.
Variant type: single nucleotide variant.
Coding change: c.987+292T>G on transcript NM_024537.4 (MANE Select); 292 bases into the intron after coding-DNA position 987, T replaced by G.
Molecular consequence: intron variant.
Genome position (GRCh38, 1-based): chr13:110,663,159, A>C on the plus strand (T>G on the coding strand, the complement: CARS2 is on the minus strand). VCF-style: chr13-110663159-A-C. GRCh37 (hg19) VCF-style: chr13-111315506-A-C.
Other names: c.201+292T>G (NM_001352252.2).
Identifiers: ClinVar variation 683459 (VCV000683459.5), dbSNP rs376834, ClinGen allele CA13802309.
Genomic context (GRCh38, chr13:110,663,159, plus strand): 5'-GTAAGAGGTGGTGGGTGAGGGCGGGAAGGAAGTCAGCAGATGCACCAAGAGGGAGACAAC[A>C]ATTATAAAAGGAAAAGGCAAGGAAGAGGGCGCCGGCCTTGAAACACGGAAAGAGAAAGGG-3'

ClinVar aggregate classification (germline): Benign. Review status: criteria provided, multiple submitters, no conflicts (2 of 4 stars). 3 submissions from 3 submitters: Benign (3). Last evaluated 2021-07-14.

Conditions:
Combined oxidative phosphorylation defect type 27. Also called: Combined oxidative phosphorylation deficiency 27. Identifiers: Orphanet 477774, MedGen C5567608, MONDO:0014728, OMIM 616672.

Allele frequency attached by ClinVar (database versions not stated): 1000 Genomes Project 30x 0.79903; TOPMed 0.79991; 1000 Genomes Project 0.80232; gnomAD 0.81351 and 0.81371; gnomAD exomes 0.82631.
gnomAD v4.1: 449,866 of 546,606 alleles (82%); highest among the groups gnomAD compares: East Asian, 85%; 186,489 homozygotes.

Submissions (3):

Genome-Nilou Lab
Classification: Benign for Combined oxidative phosphorylation defect type 27. Last evaluated: 2021-07-14. Review status: criteria provided, single submitter. Criteria: ACMG Guidelines, 2015. Collection method: clinical testing. Allele origin: germline. Affected: no.

GeneDx
Classification: Benign. Last evaluated: 2018-06-14. Review status: criteria provided, single submitter. Criteria: GeneDx Variant Classification (06012015). Collection method: clinical testing. Allele origin: germline. Affected: yes.
Comment: This variant is considered likely benign or benign based on one or more of the following criteria: it is a conservative change, it occurs at a poorly conserved position in the protein, it is predicted to be benign by multiple in silico algorithms, and/or has population frequency not consistent with disease.

Breakthrough Genomics
Classification: Benign. Review status: criteria provided, single submitter. Criteria: ACMG Guidelines, 2015. Collection method: not provided. Allele origin: germline. Inheritance: Autosomal recessive inheritance. Affected: yes.